The following is an entry in ClinVar:

ClinVar aggregate classification (germline): Likely pathogenic (1 of 4 stars; one submission).

Submission:

Labcorp Genetics (formerly Invitae), Labcorp
Classification: Likely pathogenic. Last evaluated: 2024-07-18. Review status: criteria provided, single submitter. Criteria: Invitae Variant Classification Sherloc (09022015). Collection method: clinical testing. Allele origin: germline.
Comment: This variant results in the deletion of part of exon 3 (c.1196_1201+4del) of the MBD4 gene. It is expected to disrupt RNA splicing. Variants that disrupt the donor or acceptor splice site typically lead to a loss of protein function (PMID: 16199547), and loss-of-function variants in MBD4 are known to be pathogenic (PMID: 30049810, 35460607). This variant is not present in population databases (gnomAD no frequency). This variant has not been reported in the literature in individuals affected with MBD4-related conditions. In summary, the currently available evidence indicates that the variant is pathogenic, but additional data are needed to prove that conclusively. Therefore, this variant has been classified as Likely Pathogenic.

Literature cited by the submitters: PubMed 16199547; PubMed 30049810; PubMed 35460607.

NM_001276270.2(MBD4):c.1183+13_1183+22del

Gene: MBD4 (methyl-CpG binding domain 4, DNA glycosylase; minus strand). Cytogenetic location: 3q21.3.
Variant type: Deletion.
Coding change: c.1183+13_1183+22del on transcript NM_001276270.2 (MANE Select); bases 13 to 22 of the intron after coding-DNA position 1183, 10 bases deleted (TTCAAGGTAT; older notation c.1183+13_1183+22delTTCAAGGTAT).
Molecular consequence: intron variant. On other transcripts: splice donor variant (3).
Genome position (GRCh38, 1-based): chr3:129,436,439-129,436,448, ATACCTTGAA deleted on the plus strand (TTCAAGGTAT on the coding strand, the reverse complement: MBD4 is on the minus strand); deleting any 10 consecutive bases within chr3:129,436,439-129,436,451 gives the same sequence; the c. name uses the placement nearest the transcript's 3' end. VCF-style (leftmost placement, unchanged base first): chr3-129436438-GATACCTTGAA-G. GRCh37 (hg19) VCF-style: chr3-129155281-GATACCTTGAA-G.
Other names: c.247+1360_247+1369del (NM_001276273.2); c.1196_1201+4del (NM_001276272.2, NM_003925.3, NM_001276271.2).
Identifiers: ClinVar variation 3659815 (VCV003659815.2).